The following is an entry in ClinVar:

ClinVar aggregate classification (germline): Conflicting classifications of pathogenicity. Review status: criteria provided, conflicting classifications (1 of 4 stars). 3 submissions from 3 submitters: Uncertain significance (2); Benign (1). Last evaluated 2025-10-15.

Conditions:
Orofaciodigital syndrome type 14. Also called: Orofaciodigital syndrome xiv. Identifiers: Orphanet 434179, MedGen C4706604, MONDO:0014413, OMIM 615948.

Allele frequency attached by ClinVar (database versions not stated): gnomAD exomes 0.00003 and 0.00009; ExAC 0.00016; TOPMed 0.00026; gnomAD 0.00028 and 0.00029; 1000 Genomes Project 30x 0.00031; 1000 Genomes Project 0.00040; ESP Exome Variant Server 0.00077.
gnomAD v4.1: 84 of 1,612,116 alleles (0.0052%); highest among the groups gnomAD compares: African/African-American, 0.1%; no homozygotes.

Submissions (4):

Labcorp Genetics (formerly Invitae), Labcorp
Classification: Benign. Last evaluated: 2025-10-15. Review status: criteria provided, single submitter. Criteria: Invitae Variant Classification Sherloc (09022015). Collection method: clinical testing. Allele origin: germline.

GeneDx
Classification: Uncertain significance. Last evaluated: 2024-10-08. Review status: criteria provided, single submitter. Criteria: GeneDx Variant Classification Process June 2021. Collection method: clinical testing. Allele origin: germline. Affected: yes.
Comment: In silico analysis supports that this missense variant has a deleterious effect on protein structure/function; Has not been previously published as pathogenic or benign to our knowledge

Baylor Genetics
Classification: Uncertain significance for Orofaciodigital syndrome type 14. Last evaluated: 2018-04-05. Review status: criteria provided, single submitter. Criteria: ACMG Guidelines, 2015. Collection method: clinical testing. Allele origin: unknown. Affected: yes.
Comment: This variant was determined to be of uncertain significance according to ACMG Guidelines, 2015 [PMID:25741868].

Dr. Peter K. Rogan Lab, Western University
No classification provided (evidence only). Condition: Gastric cancer. Review status: no classification provided. Collection method: in vitro. Allele origin: not applicable. Functional consequence: retained intron. Not counted in ClinVar's aggregate classification.

NM_001286577.2(C2CD3):c.3650C>G (p.Ala1217Gly)

Gene: C2CD3 (C2 domain containing 3 centriole elongation regulator; minus strand). Cytogenetic location: 11q13.4.
Variant type: single nucleotide variant.
Coding change: c.3650C>G on transcript NM_001286577.2 (MANE Select); coding-DNA position 3650, C replaced by G.
Protein change: p.Ala1217Gly; replaces alanine 1217 with glycine.
Molecular consequence: missense variant.
Genome position (GRCh38, 1-based): chr11:74,085,878, G>C on the plus strand (C>G on the coding strand, the complement: C2CD3 is on the minus strand). VCF-style: chr11-74085878-G-C. GRCh37 (hg19) VCF-style: chr11-73796923-G-C.
Other names: c.3650C>G (NM_015531.5); c.3650C>G, p.Ala1217Gly (NM_015531.6); short protein forms A1217G.
Identifiers: ClinVar variation 1033366 (VCV001033366.8), dbSNP rs144597224, ClinGen allele CA6182319.
Genomic context (GRCh38, chr11:74,085,878, plus strand): 5'-GTGGTGACAGAGGCATTGACCCCGACTGTGGCACTAAACTGTAGAGCGGGTTCCCGTTCA[G>C]CCAAAGCCCTGTAGAGGAGAAGGGTGGAAATGAGAAGATACCATGGTAACATTAGAAATC-3'
Protein context (NP_001273506.1, residues 1207-1227): CGLQAAAKAL[Ala1217Gly]EREPALQFSA